The following is an entry in ClinVar:

ClinVar aggregate classification (germline): Likely benign. Review status: criteria provided, multiple submitters, no conflicts (2 of 4 stars). 7 submissions from 7 submitters: Likely benign (7). Last evaluated 2025-12-15.

Conditions:
Arrhythmogenic cardiomyopathy with wooly hair and keratoderma. Also called: PALMOPLANTAR KERATODERMA WITH LEFT VENTRICULAR CARDIOMYOPATHY AND WOOLLY HAIR; Dilated cardiomyopathy with woolly hair and keratoderma; Arrhythmogenic cardiomyopathy with woolly hair and keratoderma; Carvajal syndrome. Identifiers: Orphanet 65282, MedGen C1854063, MONDO:0011581, OMIM 605676.
Arrhythmogenic right ventricular dysplasia 8 (ARVD8). Also called: Arrhythmogenic Right Ventricular Dysplasia/Cardiomyopathy 8; ARRHYTHMOGENIC RIGHT VENTRICULAR DYSPLASIA, FAMILIAL, 8; ARRHYTHMOGENIC RIGHT VENTRICULAR CARDIOMYOPATHY 8. Identifiers: MedGen C1843896, MONDO:0011831, OMIM 607450.
DSP-related disorder. Also called: DSP-related condition; DSP-related disorders.
Cardiovascular phenotype. Identifiers: MedGen CN230736.
Cardiomyopathy (CMYO). Also called: Cardiomyopathies. Identifiers: Orphanet 167848, MedGen C0878544, MONDO:0004994, HP:0001638. Inheritance: Various modes of inheritance.

Allele frequency attached by ClinVar (database versions not stated): TOPMed 0.00008; gnomAD 0.00011 and 0.00012; gnomAD exomes 0.00001; ExAC 0.00002; ESP Exome Variant Server 0.00008.
gnomAD v4.1: 48 of 1,614,132 alleles (0.003%); highest among the groups gnomAD compares: African/African-American, 0.044%; no homozygotes.

Submissions (7):

Labcorp Genetics (formerly Invitae), Labcorp
Classification: Likely benign for Arrhythmogenic cardiomyopathy with wooly hair and keratoderma; Arrhythmogenic right ventricular dysplasia 8. Last evaluated: 2025-12-15. Review status: criteria provided, single submitter. Criteria: Invitae Variant Classification Sherloc (09022015). Collection method: clinical testing. Allele origin: germline.

PreventionGenetics, part of Exact Sciences
Classification: Likely benign for DSP-related condition. Last evaluated: 2025-04-23. Review status: criteria provided, single submitter. Criteria: ACMG Guidelines, 2015. Collection method: clinical testing. Allele origin: germline.
Comment: This variant is classified as likely benign based on ACMG/AMP sequence variant interpretation guidelines (Richards et al. 2015 PMID: 25741868, with internal and published modifications).

Women's Health and Genetics/Laboratory Corporation of America, LabCorp
Classification: Likely benign. Last evaluated: 2024-12-06. Review status: criteria provided, single submitter. Criteria: LabCorp Variant Classification Summary - May 2015. Collection method: clinical testing. Allele origin: germline.

Blueprint Genetics
Classification: Likely benign. Last evaluated: 2023-03-08. Review status: criteria provided, single submitter. Criteria: ACMG Guidelines, 2015. Collection method: clinical testing. Allele origin: germline.

Color Diagnostics, LLC DBA Color Health
Classification: Likely benign for Cardiomyopathy. Last evaluated: 2022-09-19. Review status: criteria provided, single submitter. Criteria: ACMG Guidelines, 2015. Collection method: clinical testing. Allele origin: germline.

ARUP Laboratories, Molecular Genetics and Genomics, ARUP Laboratories
Classification: Likely benign. Last evaluated: 2021-07-10. Review status: criteria provided, single submitter. Criteria: ARUP Molecular Germline Variant Investigation Process 2021. Collection method: clinical testing. Allele origin: germline.

Ambry Genetics
Classification: Likely benign for Cardiovascular phenotype. Last evaluated: 2019-07-29. Review status: criteria provided, single submitter. Criteria: Ambry Variant Classification Scheme 2023. Collection method: clinical testing. Allele origin: germline.

NM_004415.4(DSP):c.816G>A (p.Leu272=)

Gene: DSP (desmoplakin; plus strand). Cytogenetic location: 6p24.3.
Variant type: single nucleotide variant.
Coding change: c.816G>A on transcript NM_004415.4 (MANE Select); coding-DNA position 816, G replaced by A.
Protein change: p.Leu272=; no amino-acid change (leucine 272 retained).
Molecular consequence: synonymous variant.
Genome position (GRCh38, 1-based): chr6:7,565,397, G>A. VCF-style: chr6-7565397-G-A. GRCh37 (hg19) VCF-style: chr6-7565630-G-A.
Other names: c.816G>A, p.Leu272= (NM_001008844.3, NM_001319034.2); c.816G>A (NM_004415.3).
Identifiers: ClinVar variation 700736 (VCV000700736.24), dbSNP rs376184294, ClinGen allele CA051657.